The following is an entry in ClinVar:

NM_021008.4(DEAF1):c.216G>A (p.Glu72=)

Gene: DEAF1 (DEAF1 transcription factor; minus strand). Cytogenetic location: 11p15.5.
Variant type: single nucleotide variant.
Coding change: c.216G>A on transcript NM_021008.4 (MANE Select); coding-DNA position 216, G replaced by A.
Protein change: p.Glu72=; no amino-acid change (glutamic acid 72 retained).
Molecular consequence: synonymous variant. On other transcripts: intron variant (1).
Genome position (GRCh38, 1-based): chr11:694,832, C>T on the plus strand (G>A on the coding strand, the complement: DEAF1 is on the minus strand). VCF-style: chr11-694832-C-T. GRCh37 (hg19) VCF-style: chr11-694832-C-T.
Other names: c.216G>A, p.Glu72= (NM_001293634.2); c.-437-3234G>A (NM_001367390.1).
Identifiers: ClinVar variation 1564573 (VCV001564573.32), dbSNP rs12799262, ClinGen allele CA216910771.

ClinVar aggregate classification (germline): Likely benign. Review status: criteria provided, multiple submitters, no conflicts (2 of 4 stars). 3 submissions from 3 submitters: Likely benign (3). Last evaluated 2023-07-13.

Allele frequency attached by ClinVar (database versions not stated): gnomAD 0.00001; TOPMed 0.00001.
gnomAD v4.1: 13 of 1,462,260 alleles (0.00089%); highest among the groups gnomAD compares: Non-Finnish European, 0.0012%; no homozygotes.

Submissions (3):

Labcorp Genetics (formerly Invitae), Labcorp
Classification: Likely benign. Last evaluated: 2023-07-13. Review status: criteria provided, single submitter. Criteria: Invitae Variant Classification Sherloc (09022015). Collection method: clinical testing. Allele origin: germline.

CeGaT Center for Human Genetics Tuebingen
Classification: Likely benign. Last evaluated: 2022-03-01. Review status: criteria provided, single submitter. Criteria: CeGaT Center For Human Genetics Tuebingen Variant Classification Criteria Version 2. Collection method: clinical testing. Allele origin: germline. Affected: yes. Observed: 1 variant allele.
Comment: DEAF1: BP4, BP7

Breakthrough Genomics
Classification: Likely benign. Review status: criteria provided, single submitter. Criteria: ACMG Guidelines, 2015. Collection method: not provided. Allele origin: germline. Inheritance: Autosomal recessive inheritance. Affected: yes.